The following is an entry in ClinVar:

ClinVar aggregate classification (germline): Conflicting classifications of pathogenicity. Review status: criteria provided, conflicting classifications (1 of 4 stars). 4 submissions from 4 submitters: Uncertain significance (1); Benign (2). 1 of the submissions does not count toward it. Last evaluated 2024-11-18.

Conditions:
HBG2-related condition.
Hereditary persistence of fetal hemoglobin. Identifiers: MedGen C0019025, MONDO:0020989, OMIM 141749.

Allele frequency attached by ClinVar (database versions not stated): gnomAD 0.20703 and 0.20740; gnomAD exomes 0.21902; 1000 Genomes Project 30x 0.18114.

Submissions (4):

PreventionGenetics, part of Exact Sciences
Classification: Uncertain significance for HBG2-related condition. Last evaluated: 2024-11-18. Review status: criteria provided, single submitter. Criteria: ACMG Guidelines, 2015. Collection method: clinical testing. Allele origin: germline.
Comment: The HBG2 c.-211C>T variant is located in the 5' untranslated region. In the literature this variant is reported as -158C>T and is also referred to as the XmnI (G)gamma polymorphism. This variant has been reported in association with elevated fetal G gamma globin and fetal hemoglobin (HbF) levels in individuals with sickle cell disease or carriers of beta thalassemia  (Gilman and Huisman. 1985. PubMed ID: 2412616; Dedoussis et al. 2000. PubMed ID: 10861808; Nguyen et al. 2010. PubMed ID: 20472475). Of note, increased expression of G gamma globin and HbF in beta thalassemia patients is noted to be associated with a milder or even asymptomatic disease course (Breveglieri et al. 2017. PubMed ID: 28851297) and has also been associated with a more favorable response to hydroxyurea therapy in homozygous and compound heterozygous beta thalassemia patients (Ali et al. 2015. PubMed ID: 25591326). To our knowledge, this variant has not been reported in the literature in association with autosomal dominant transient neonatal cyanosis. This variant is reported in 26% of alleles in individuals of European (Non-Finnish) descent in gnomAD, including six homozygous individuals. This variant falls within a highly paralogous region. Allele frequency data should be interpreted with caution. At this time, the clinical significance of this variant is uncertain due to the absence of conclusive functional and genetic evidence.

ARUP Laboratories, Molecular Genetics and Genomics, ARUP Laboratories
Classification: Benign. Last evaluated: 2024-11-13. Review status: criteria provided, single submitter. Criteria: ARUP Molecular Germline Variant Investigation Process 2024. Collection method: clinical testing. Allele origin: germline.
Comment: The HBG2 c.-211C>T variant (rs7482144, rs1060499525, HbVar ID: 3260), also known as -158C>T and XmnI, is a common variant in the 5' untranslated region. While not associated with hereditary persistence of fetal hemoglobin (HPFH) in healthy adults, this variant has been described as a modifier of beta-thalassemia (Ma 2007, Nguyen 2010) and beta-globin variants such as Hb S (Akinbami 2016) due to its association with increased levels of HbF. This variant is also reported in ClinVar (Variation ID: 14984) and is found in the general population with an overall allele frequency of 20.7% (at least 6412/30916 alleles) in the Genome Aggregation Database. Based on available information, this variant is considered to be benign. References: Link to HbVar database: Akinbami AO et al. Hereditary Persistence of Fetal Hemoglobin Caused by Single Nucleotide Promoter Mutations in Sickle Cell Trait and Hb SC Disease. Hemoglobin. 2016;40(1):64-5. PMID: 26372199. Ma Q et al. Beta-globin gene cluster polymorphisms are strongly associated with severity of HbE/beta(0)-thalassemia. Clin Genet. 2007 Dec;72(6):497-505. PMID: 17894837. Nguyen TK et al. The XmnI (G)gamma polymorphism influences hemoglobin F synthesis contrary to BCL11A and HBS1L-MYB SNPs in a cohort of 57 beta-thalassemia intermedia patients. Blood Cells Mol Dis. 2010 Aug 15;45(2):124-7. PMID: 20472475.

Breakthrough Genomics
Classification: Benign. Review status: criteria provided, single submitter. Criteria: ACMG Guidelines, 2015. Collection method: not provided. Allele origin: germline. Inheritance: Autosomal dominant inheritance. Affected: yes.

OMIM
Classification: Uncertain significance for RECLASSIFIED - VARIANT OF UNKNOWN SIGNIFICANCE. Last evaluated: 2010-12-01. Review status: no assertion criteria provided. Collection method: literature only. Allele origin: germline. Not counted in ClinVar's aggregate classification.

Literature cited by the submitters: PubMed 21057501 (cited by OMIM); PubMed 2432426 (cited by OMIM); PubMed 11822023 (cited by OMIM); PubMed 18667698 (cited by OMIM).

NC_000011.10:g.5254939G>A

Genes: HBG2 (hemoglobin subunit gamma 2; minus strand), LOC106099065 (HBG2 recombination region; plus strand). Cytogenetic location: 11p15.4.
Variant type: single nucleotide variant.
Genome position: GRCh38 VCF-style: chr11-5254939-G-A. GRCh37 (hg19) VCF-style: chr11-5276169-G-A.
Other names: XmnI-G-gamma polymorphism; C-T, -158 (rs7482144).
Identifiers: ClinVar variation 14984 (VCV000014984.16), dbSNP rs7482144, ClinGen allele CA124545.